The following is an entry in ClinVar:

ClinVar aggregate classification (germline): Pathogenic/Likely pathogenic. Review status: criteria provided, multiple submitters, no conflicts (2 of 4 stars). 2 submissions from 2 submitters: Pathogenic (1); Likely pathogenic (1). Last evaluated 2023-07-25.

Conditions:
Usher syndrome type 1C. Also called: USHER SYNDROME, TYPE I, ACADIAN VARIETY. Identifiers: Orphanet 231169, Orphanet 886, MedGen C1848604, MONDO:0010171, OMIM 276904.

Submissions (2):

Labcorp Genetics (formerly Invitae), Labcorp
Classification: Pathogenic. Last evaluated: 2023-07-25. Review status: criteria provided, single submitter. Criteria: Invitae Variant Classification Sherloc (09022015). Collection method: clinical testing. Allele origin: germline.
Comment: For these reasons, this variant has been classified as Pathogenic. ClinVar contains an entry for this variant (Variation ID: 1726834). This variant has not been reported in the literature in individuals affected with USH1C-related conditions. This variant is not present in population databases (gnomAD no frequency). This sequence change creates a premature translational stop signal (p.Trp182*) in the USH1C gene. It is expected to result in an absent or disrupted protein product. Loss-of-function variants in USH1C are known to be pathogenic (PMID: 10973247, 17407589, 20301442, 21203349).

Myriad Genetics, Inc.
Classification: Likely pathogenic for Usher syndrome type 1C. Last evaluated: 2022-01-02. Review status: criteria provided, single submitter. Criteria: Myriad Women's Health Autosomal Recessive and X-Linked Classification Criteria (2021). Collection method: clinical testing. Allele origin: unknown.
Comment: NM_005709.3(USH1C):c.546G>A(W182*) is expected to be pathogenic in the context of USH1C-related disorders. This variant is predicted to lead to an abnormal or absent protein product due to the creation of a premature termination codon in USH1C, a gene where loss-of-function variants are known to be pathogenic. Please note: this variant was assessed in the context of healthy population screening.

Literature cited by the submitters: PubMed 10973247 (cited by Labcorp Genetics (formerly Invitae), Labcorp); PubMed 17407589 (cited by Labcorp Genetics (formerly Invitae), Labcorp); PubMed 20301442 (cited by Labcorp Genetics (formerly Invitae), Labcorp); PubMed 21203349 (cited by Labcorp Genetics (formerly Invitae), Labcorp).

NM_153676.4(USH1C):c.546G>A (p.Trp182Ter)

Gene: USH1C (USH1 protein network component harmonin; minus strand). Cytogenetic location: 11p15.1.
Variant type: single nucleotide variant.
Coding change: c.546G>A on transcript NM_153676.4 (MANE Select); coding-DNA position 546, G replaced by A.
Protein change: p.Trp182Ter; replaces tryptophan 182 with a stop codon.
Molecular consequence: nonsense. On other transcripts: non-coding transcript variant (1).
Genome position (GRCh38, 1-based): chr11:17,526,786, C>T on the plus strand (G>A on the coding strand, the complement: USH1C is on the minus strand). VCF-style: chr11-17526786-C-T. GRCh37 (hg19) VCF-style: chr11-17548333-C-T.
Other names: c.546G>A, p.Trp182Ter (NM_001297764.2, NM_005709.4); short protein forms W182*.
Identifiers: ClinVar variation 1726834 (VCV001726834.5), dbSNP rs2497187064, ClinGen allele CA379794417.